The following is an entry in ClinVar:

NM_032043.3(BRIP1):c.2815G>A (p.Ala939Thr)

Gene: BRIP1 (BRCA1 interacting DNA helicase 1; minus strand). Cytogenetic location: 17q23.2.
Variant type: single nucleotide variant.
Coding change: c.2815G>A on transcript NM_032043.3 (MANE Select); coding-DNA position 2815, G replaced by A.
Protein change: p.Ala939Thr; replaces alanine 939 with threonine.
Molecular consequence: missense variant.
Genome position (GRCh38, 1-based): chr17:61,685,926, C>T on the plus strand (G>A on the coding strand, the complement: BRIP1 is on the minus strand). VCF-style: chr17-61685926-C-T. GRCh37 (hg19) VCF-style: chr17-59763287-C-T.
Other names: short protein forms A939T.
Identifiers: ClinVar variation 1005803 (VCV001005803.9), dbSNP rs2061354305, ClinGen allele CA400481474.

ClinVar aggregate classification (germline): Uncertain significance (1 of 4 stars; one submission).

Conditions:
Familial cancer of breast. Also called: hereditary breast carcinoma; BREAST CANCER, FAMILIAL; Hereditary breast cancer. Identifiers: Orphanet 227535, MedGen C0346153, MONDO:0016419, OMIM 114480. Disease mechanism: loss of function.
Fanconi anemia complementation group J. Also called: BRIP1-Related Fanconi Anemia. Identifiers: Orphanet 84, MedGen C1836860, MONDO:0012187, OMIM 609054.

gnomAD v4.1: 1 of 1,614,032 alleles (0.000062%); highest among the groups gnomAD compares: Non-Finnish European, 0.000085%; no homozygotes.

Submission:

Labcorp Genetics (formerly Invitae), Labcorp
Classification: Uncertain significance for Familial cancer of breast; Fanconi anemia complementation group J. Last evaluated: 2020-04-19. Review status: criteria provided, single submitter. Criteria: Invitae Variant Classification Sherloc (09022015). Collection method: clinical testing. Allele origin: germline.
Comment: This sequence change replaces alanine with threonine at codon 939 of the BRIP1 protein (p.Ala939Thr). The alanine residue is weakly conserved and there is a small physicochemical difference between alanine and threonine. This variant is not present in population databases (ExAC no frequency). This variant has not been reported in the literature in individuals with BRIP1-related conditions. Algorithms developed to predict the effect of missense changes on protein structure and function output the following: SIFT: "Tolerated"; PolyPhen-2: "Benign"; Align-GVGD: "Class C0". The threonine amino acid residue is found in multiple mammalian species, suggesting that this missense change does not adversely affect protein function. These predictions have not been confirmed by published functional studies and their clinical significance is uncertain. In summary, the available evidence is currently insufficient to determine the role of this variant in disease. Therefore, it has been classified as a Variant of Uncertain Significance.